The following is an entry in ClinVar:

ClinVar aggregate classification (germline): Uncertain significance. Review status: criteria provided, multiple submitters, no conflicts (2 of 4 stars). 2 submissions from 2 submitters: Uncertain significance (2). Last evaluated 2023-04-15.

Conditions:
Emery-Dreifuss muscular dystrophy 5, autosomal dominant (EDMD5). Also called: EMERY-DREIFUSS MUSCULAR DYSTROPHY 5. Identifiers: Orphanet 261, MedGen C2751805, MONDO:0013072, OMIM 612999.

Allele frequency attached by ClinVar (database versions not stated): gnomAD 0.00002; gnomAD exomes 0.00002; ExAC 0.00001; TOPMed 0.00001.
gnomAD v4.1: 19 of 1,614,106 alleles (0.0012%); highest among the groups gnomAD compares: Admixed American, 0.0017%; no homozygotes.

Submissions (2):

Labcorp Genetics (formerly Invitae), Labcorp
Classification: Uncertain significance for Emery-Dreifuss muscular dystrophy 5, autosomal dominant. Last evaluated: 2023-04-15. Review status: criteria provided, single submitter. Criteria: Invitae Variant Classification Sherloc (09022015). Collection method: clinical testing. Allele origin: germline.
Comment: This variant is present in population databases (rs747214483, gnomAD 0.003%). This variant has not been reported in the literature in individuals affected with SYNE2-related conditions. ClinVar contains an entry for this variant (Variation ID: 883823). Algorithms developed to predict the effect of missense changes on protein structure and function output the following: SIFT: "Not Available"; PolyPhen-2: "Benign"; Align-GVGD: "Not Available". The cysteine amino acid residue is found in multiple mammalian species, which suggests that this missense change does not adversely affect protein function. Algorithms developed to predict the effect of sequence changes on RNA splicing suggest that this variant may create or strengthen a splice site. In summary, the available evidence is currently insufficient to determine the role of this variant in disease. Therefore, it has been classified as a Variant of Uncertain Significance. This sequence change replaces tyrosine, which is neutral and polar, with cysteine, which is neutral and slightly polar, at codon 5634 of the SYNE2 protein (p.Tyr5634Cys).

Illumina Laboratory Services, Illumina
Classification: Uncertain significance for Emery-Dreifuss muscular dystrophy 5, autosomal dominant. Last evaluated: 2018-01-12. Review status: criteria provided, single submitter. Criteria: ICSL Variant Classification Criteria 13 December 2019. Collection method: clinical testing. Allele origin: germline.

NM_182914.3(SYNE2):c.16901A>G (p.Tyr5634Cys)

Gene: SYNE2 (spectrin repeat containing nuclear envelope protein 2; plus strand). Cytogenetic location: 14q23.2.
Variant type: single nucleotide variant.
Coding change: c.16901A>G on transcript NM_182914.3 (MANE Select); coding-DNA position 16901, A replaced by G.
Protein change: p.Tyr5634Cys; replaces tyrosine 5634 with cysteine.
Molecular consequence: missense variant.
Genome position (GRCh38, 1-based): chr14:64,167,635, A>G. VCF-style: chr14-64167635-A-G. GRCh37 (hg19) VCF-style: chr14-64634353-A-G.
Other names: c.16901A>G, p.Tyr5634Cys (NM_015180.6); short protein forms Y5634C.
Identifiers: ClinVar variation 883823 (VCV000883823.8), dbSNP rs747214483, ClinGen allele CA7223524.